The following is an entry in ClinVar:

NM_001458.5(FLNC):c.3431C>T (p.Pro1144Leu)

Gene: FLNC (filamin C; plus strand). Cytogenetic location: 7q32.1.
Variant type: single nucleotide variant.
Coding change: c.3431C>T on transcript NM_001458.5 (MANE Select); coding-DNA position 3431, C replaced by T.
Protein change: p.Pro1144Leu; replaces proline 1144 with leucine.
Molecular consequence: missense variant.
Genome position (GRCh38, 1-based): chr7:128,844,896, C>T. VCF-style: chr7-128844896-C-T. GRCh37 (hg19) VCF-style: chr7-128484950-C-T.
Other names: c.3431C>T, p.Pro1144Leu (NM_001127487.2); short protein forms P1144L.
Identifiers: ClinVar variation 947216 (VCV000947216.10), dbSNP rs200723434, ClinGen allele CA4475040.

ClinVar aggregate classification (germline): Uncertain significance (1 of 4 stars; one submission).

Conditions:
Myofibrillar myopathy 5. Also called: FILAMINOPATHY, AUTOSOMAL DOMINANT; Filaminopathy (type). Identifiers: Orphanet 171445, MedGen C1836050, MONDO:0012289, OMIM 609524.
Hypertrophic cardiomyopathy 26. Also called: Cardiomyopathy, familial hypertrophic, 26. Identifiers: Orphanet 75249, MedGen C4310749, MONDO:0014883, OMIM 617047.
Distal myopathy with posterior leg and anterior hand involvement. Also called: WILLIAMS DISTAL MYOPATHY. Identifiers: Orphanet 63273, MedGen C3279722, MONDO:0013550, OMIM 614065.

Submission:

Labcorp Genetics (formerly Invitae), Labcorp
Classification: Uncertain significance for Distal myopathy with posterior leg and anterior hand involvement; Myofibrillar myopathy 5; Hypertrophic cardiomyopathy 26. Last evaluated: 2022-09-01. Review status: criteria provided, single submitter. Criteria: Invitae Variant Classification Sherloc (09022015). Collection method: clinical testing. Allele origin: germline.
Comment: This sequence change replaces proline, which is neutral and non-polar, with leucine, which is neutral and non-polar, at codon 1144 of the FLNC protein (p.Pro1144Leu). This variant is not present in population databases (gnomAD no frequency). This variant has not been reported in the literature in individuals affected with FLNC-related conditions. ClinVar contains an entry for this variant (Variation ID: 947216). Algorithms developed to predict the effect of missense changes on protein structure and function are either unavailable or do not agree on the potential impact of this missense change (SIFT: "Deleterious"; PolyPhen-2: "Probably Damaging"; Align-GVGD: "Class C0"). In summary, the available evidence is currently insufficient to determine the role of this variant in disease. Therefore, it has been classified as a Variant of Uncertain Significance.